The following is an entry in ClinVar:

ClinVar aggregate classification (germline): Uncertain significance (1 of 4 stars; one submission).

gnomAD v4.1: 2 of 1,189,667 alleles (0.00017%); highest among the groups gnomAD compares: Non-Finnish European, 0.00023%; no homozygotes.

Submission:

Labcorp Genetics (formerly Invitae), Labcorp
Classification: Uncertain significance. Last evaluated: 2025-07-13. Review status: criteria provided, single submitter. Criteria: Invitae Variant Classification Sherloc (09022015). Collection method: clinical testing. Allele origin: germline.
Comment: This sequence change replaces leucine, which is neutral and non-polar, with phenylalanine, which is neutral and non-polar, at codon 226 of the STAG2 protein (p.Leu226Phe). This variant is not present in population databases (gnomAD no frequency). This variant has not been reported in the literature in individuals affected with STAG2-related conditions. Invitae Evidence Modeling of protein sequence and biophysical properties (such as structural, functional, and spatial information, amino acid conservation, physicochemical variation, residue mobility, and thermodynamic stability) indicates that this missense variant is expected to disrupt STAG2 protein function with a positive predictive value of 80%. In summary, the available evidence is currently insufficient to determine the role of this variant in disease. Therefore, it has been classified as a Variant of Uncertain Significance.

NM_001042750.2(STAG2):c.678G>C (p.Leu226Phe)

Gene: STAG2 (STAG2 cohesin complex component; plus strand). Cytogenetic location: Xq25.
Variant type: single nucleotide variant.
Coding change: c.678G>C on transcript NM_001042750.2 (MANE Select); coding-DNA position 678, G replaced by C.
Protein change: p.Leu226Phe; replaces leucine 226 with phenylalanine.
Molecular consequence: missense variant.
Genome position (GRCh38, 1-based): chrX:124,047,364, G>C. VCF-style: chrX-124047364-G-C. GRCh37 (hg19) VCF-style: chrX-123181214-G-C.
Other names: c.678G>C, p.Leu226Phe (NM_001042749.2, NM_001042751.2, NM_001282418.2 and 23 more transcripts); short protein forms L226F.
Identifiers: ClinVar variation 4742416 (VCV004742416.1).